The following is an entry in ClinVar:

NM_001358921.2(COQ2):c.838A>C (p.Ser280Arg)

Gene: COQ2 (coenzyme Q2, polyprenyltransferase; minus strand). Cytogenetic location: 4q21.23.
Variant type: single nucleotide variant.
Coding change: c.838A>C on transcript NM_001358921.2 (MANE Select); coding-DNA position 838, A replaced by C.
Protein change: p.Ser280Arg; replaces serine 280 with arginine.
Molecular consequence: missense variant.
Genome position (GRCh38, 1-based): chr4:83,267,699, T>G on the plus strand (A>C on the coding strand, the complement: COQ2 is on the minus strand). VCF-style: chr4-83267699-T-G. GRCh37 (hg19) VCF-style: chr4-84188852-T-G.
Other names: c.988A>C (NM_015697.7, NM_015697.8); c.988A>C, p.Ser330Arg (NM_015697.9); short protein forms S280R, S330R.
Identifiers: ClinVar variation 2175893 (VCV002175893.4), dbSNP rs752135392, ClinGen allele CA2988495.
Genomic context (GRCh38, chr4:83,267,699, plus strand): 5'-TCTGTCCACTGTTCACACCCACTAGGCTCAGTGCCCCCAGCATTGCAACACTGAAGCCGC[T>G]GAGCCACGGCTTGGTATTTTCTCCGAACCGCAGAGCCGTTGACTTAAGACCAATCAAAAC-3'
Protein context (NP_001345850.1, residues 270-290): RFGENTKPWL[Ser280Arg]GFSVAMLGAL

ClinVar aggregate classification (germline): Uncertain significance. Review status: criteria provided, multiple submitters, no conflicts (2 of 4 stars). 4 submissions from 4 submitters: Uncertain significance (4). Last evaluated 2025-03-25.

Conditions:
Multiple system atrophy 1, susceptibility to. Also called: MSA1, SUSCEPTIBILITY TO. Identifiers: MedGen C3714927, MONDO:0020715, OMIM 146500.
Coenzyme Q10 deficiency, primary, 1. Also called: UBIQUINONE DEFICIENCY 1; COENZYME Q DEFICIENCY 1; CoQ DEFICIENCY 1. Identifiers: Orphanet 255249, MedGen C3551954, MONDO:0011829, OMIM 607426.
Inborn genetic diseases. Identifiers: MedGen C0950123, MeSH D030342.

Allele frequency attached by ClinVar (database versions not stated): gnomAD exomes 0.00001; TOPMed 0.00002; ExAC 0.00004.
gnomAD v4.1: 24 of 1,555,190 alleles (0.0015%); highest among the groups gnomAD compares: Non-Finnish European, 0.0019%; no homozygotes.

Submissions (4):

GeneDx
Classification: Uncertain significance. Last evaluated: 2025-03-25. Review status: criteria provided, single submitter. Criteria: GeneDx Variant Classification Process June 2021. Collection method: clinical testing. Allele origin: germline. Affected: yes.
Comment: Not observed at significant frequency in large population cohorts (gnomAD); In silico analysis supports that this missense variant has a deleterious effect on protein structure/function; Has not been previously published as pathogenic or benign to our knowledge

Ambry Genetics
Classification: Uncertain significance for Inborn genetic diseases. Last evaluated: 2024-10-01. Review status: criteria provided, single submitter. Criteria: Ambry Variant Classification Scheme 2023. Collection method: clinical testing. Allele origin: germline.

Fulgent Genetics
Classification: Uncertain significance for Multiple system atrophy 1, susceptibility to; Coenzyme Q10 deficiency, primary, 1. Last evaluated: 2024-04-12. Review status: criteria provided, single submitter. Criteria: ACMG Guidelines, 2015. Collection method: clinical testing. Allele origin: germline.

Labcorp Genetics (formerly Invitae), Labcorp
Classification: Uncertain significance. Last evaluated: 2022-04-11. Review status: criteria provided, single submitter. Criteria: Invitae Variant Classification Sherloc (09022015). Collection method: clinical testing. Allele origin: germline.
Comment: This sequence change replaces serine, which is neutral and polar, with arginine, which is basic and polar, at codon 330 of the COQ2 protein (p.Ser330Arg). This variant is present in population databases (rs752135392, gnomAD 0.003%). This variant has not been reported in the literature in individuals affected with COQ2-related conditions. Algorithms developed to predict the effect of missense changes on protein structure and function are either unavailable or do not agree on the potential impact of this missense change (SIFT: "Deleterious"; PolyPhen-2: "Benign"; Align-GVGD: "Class C0"). In summary, the available evidence is currently insufficient to determine the role of this variant in disease. Therefore, it has been classified as a Variant of Uncertain Significance.